The following is an entry in ClinVar:

ClinVar aggregate classification (germline): Uncertain significance (1 of 4 stars; one submission).

Conditions:
Familial thoracic aortic aneurysm and aortic dissection (TAAD). Also called: Thoracic aortic aneurysms and dissections. Identifiers: Orphanet 91387, MedGen C4707243, MONDO:0019625.

Submission:

Ambry Genetics
Classification: Uncertain significance for Familial thoracic aortic aneurysm and aortic dissection. Last evaluated: 2025-06-22. Review status: criteria provided, single submitter. Criteria: Ambry Variant Classification Scheme 2023. Collection method: clinical testing. Allele origin: germline.
Comment: The p.H727L variant (also known as c.2180A>T), located in coding exon 13 of the NOTCH1 gene, results from an A to T substitution at nucleotide position 2180. The histidine at codon 727 is replaced by leucine, an amino acid with similar properties. This amino acid position is conserved. In addition, this alteration is predicted to be deleterious by in silico analysis. Based on the available evidence, the clinical significance of this variant remains unclear.

NM_017617.5(NOTCH1):c.2180A>T (p.His727Leu)

Gene: NOTCH1 (notch receptor 1; minus strand). Cytogenetic location: 9q34.3.
Variant type: single nucleotide variant.
Coding change: c.2180A>T on transcript NM_017617.5 (MANE Select); coding-DNA position 2180, A replaced by T.
Protein change: p.His727Leu; replaces histidine 727 with leucine.
Molecular consequence: missense variant.
Genome position (GRCh38, 1-based): chr9:136,514,537, T>A on the plus strand (A>T on the coding strand, the complement: NOTCH1 is on the minus strand). VCF-style: chr9-136514537-T-A. GRCh37 (hg19) VCF-style: chr9-139408989-T-A.
Other names: short protein forms H727L.
Identifiers: ClinVar variation 4121640 (VCV004121640.1).